The following is an entry in ClinVar:

NM_001903.5(CTNNA1):c.1027G>A (p.Ala343Thr)

Gene: CTNNA1 (catenin alpha 1; plus strand). Cytogenetic location: 5q31.2.
Variant type: single nucleotide variant.
Coding change: c.1027G>A on transcript NM_001903.5 (MANE Select); coding-DNA position 1027, G replaced by A.
Protein change: p.Ala343Thr; replaces alanine 343 with threonine.
Molecular consequence: missense variant.
Genome position (GRCh38, 1-based): chr5:138,827,683, G>A. VCF-style: chr5-138827683-G-A. GRCh37 (hg19) VCF-style: chr5-138163372-G-A.
Other names: c.1027G>A, p.Ala343Thr (NM_001290307.3, NM_001323982.2, NM_001323983.1 and 3 more transcripts); c.718G>A, p.Ala240Thr (NM_001290309.3); c.658G>A, p.Ala220Thr (NM_001290310.3); c.1027G>A (NM_001903.2); short protein forms A220T, A240T, A343T.
Identifiers: ClinVar variation 1501588 (VCV001501588.7), dbSNP rs1760857645, ClinGen allele CA361131220.

ClinVar aggregate classification (germline): Uncertain significance. Review status: criteria provided, multiple submitters, no conflicts (2 of 4 stars). 2 submissions from 2 submitters: Uncertain significance (2). Last evaluated 2025-04-05.

Conditions:
Hereditary cancer-predisposing syndrome. Also called: Hereditary neoplastic syndrome; Tumor predisposition; Neoplastic Syndromes, Hereditary; Hereditary Cancer Syndrome. Identifiers: Orphanet 140162, MedGen C0027672, MeSH D009386, MONDO:0015356.

gnomAD v4.1: 1 of 1,614,214 alleles (0.000062%); highest among the groups gnomAD compares: South Asian, 0.0011%; no homozygotes.

Submissions (2):

Ambry Genetics
Classification: Uncertain significance for Hereditary cancer-predisposing syndrome. Last evaluated: 2025-04-05. Review status: criteria provided, single submitter. Criteria: Ambry Variant Classification Scheme 2023. Collection method: clinical testing. Allele origin: germline.
Comment: The p.A343T variant (also known as c.1027G>A), located in coding exon 6 of the CTNNA1 gene, results from a G to A substitution at nucleotide position 1027. The alanine at codon 343 is replaced by threonine, an amino acid with similar properties. This amino acid position is conserved. In addition, the in silico prediction for this alteration is inconclusive. Based on the available evidence, the clinical significance of this variant remains unclear.

Labcorp Genetics (formerly Invitae), Labcorp
Classification: Uncertain significance. Last evaluated: 2024-04-10. Review status: criteria provided, single submitter. Criteria: Invitae Variant Classification Sherloc (09022015). Collection method: clinical testing. Allele origin: germline.
Comment: This sequence change replaces alanine, which is neutral and non-polar, with threonine, which is neutral and polar, at codon 343 of the CTNNA1 protein (p.Ala343Thr). This variant is not present in population databases (gnomAD no frequency). This variant has not been reported in the literature in individuals affected with CTNNA1-related conditions. ClinVar contains an entry for this variant (Variation ID: 1501588). Advanced modeling of protein sequence and biophysical properties (such as structural, functional, and spatial information, amino acid conservation, physicochemical variation, residue mobility, and thermodynamic stability) performed at Invitae indicates that this missense variant is not expected to disrupt CTNNA1 protein function with a negative predictive value of 80%. In summary, the available evidence is currently insufficient to determine the role of this variant in disease. Therefore, it has been classified as a Variant of Uncertain Significance.